The following is an entry in ClinVar:

NM_004612.4(TGFBR1):c.685G>C (p.Val229Leu)

Gene: TGFBR1 (transforming growth factor beta receptor 1; plus strand). Cytogenetic location: 9q22.33.
Variant type: single nucleotide variant.
Coding change: c.685G>C on transcript NM_004612.4 (MANE Select); coding-DNA position 685, G replaced by C.
Protein change: p.Val229Leu; replaces valine 229 with leucine.
Molecular consequence: missense variant.
Genome position (GRCh38, 1-based): chr9:99,137,969, G>C. VCF-style: chr9-99137969-G-C. GRCh37 (hg19) VCF-style: chr9-101900251-G-C.
Other names: c.454G>C, p.Val152Leu (NM_001130916.3); c.697G>C, p.Val233Leu (NM_001306210.2, NM_001407416.1); c.685G>C, p.Val229Leu (NM_001407417.1); c.490G>C, p.Val164Leu (NM_001407418.1, NM_001407419.1, NM_001407420.1 and 1 more transcripts); c.478G>C, p.Val160Leu (NM_001407423.1, NM_001407424.1, NM_001407425.1 and 8 more transcripts); c.439G>C, p.Val147Leu (NM_001407436.1); c.208G>C, p.Val70Leu (NM_001407438.1); short protein forms V147L, V152L, V160L, V164L, V233L, V229L, V70L.
Identifiers: ClinVar variation 2051126 (VCV002051126.4), dbSNP rs2118714875, ClinGen allele CA374229685.

ClinVar aggregate classification (germline): Uncertain significance (1 of 4 stars; one submission).

Conditions:
Familial thoracic aortic aneurysm and aortic dissection (TAAD). Also called: Thoracic aortic aneurysms and dissections. Identifiers: Orphanet 91387, MedGen C4707243, MONDO:0019625.

Submission:

Labcorp Genetics (formerly Invitae), Labcorp
Classification: Uncertain significance for Familial thoracic aortic aneurysm and aortic dissection. Last evaluated: 2022-03-01. Review status: criteria provided, single submitter. Criteria: Invitae Variant Classification Sherloc (09022015). Collection method: clinical testing. Allele origin: germline.
Comment: This sequence change replaces valine, which is neutral and non-polar, with leucine, which is neutral and non-polar, at codon 229 of the TGFBR1 protein (p.Val229Leu). In summary, the available evidence is currently insufficient to determine the role of this variant in disease. Therefore, it has been classified as a Variant of Uncertain Significance. Advanced modeling of protein sequence and biophysical properties (such as structural, functional, and spatial information, amino acid conservation, physicochemical variation, residue mobility, and thermodynamic stability) performed at Invitae indicates that this missense variant is expected to disrupt TGFBR1 protein function. This missense change has been observed in individual(s) with clinical features of TGFBR1-related conditions (Invitae). This variant is not present in population databases (gnomAD no frequency).